The following is an entry in ClinVar:

NM_006005.3(WFS1):c.2170C>T (p.Pro724Ser)

Gene: WFS1 (wolframin ER transmembrane glycoprotein; plus strand). Cytogenetic location: 4p16.1.
Variant type: single nucleotide variant.
Coding change: c.2170C>T on transcript NM_006005.3 (MANE Select); coding-DNA position 2170, C replaced by T.
Protein change: p.Pro724Ser; replaces proline 724 with serine.
Molecular consequence: missense variant.
Genome position (GRCh38, 1-based): chr4:6,301,965, C>T. VCF-style: chr4-6301965-C-T. GRCh37 (hg19) VCF-style: chr4-6303692-C-T.
Other names: c.2170C>T, p.Pro724Ser (NM_001145853.1); short protein forms P724S.
Identifiers: ClinVar variation 379865 (VCV000379865.3), dbSNP rs777663097, ClinGen allele CA2839633.

ClinVar aggregate classification (germline): Pathogenic/Likely pathogenic. Review status: criteria provided, multiple submitters, no conflicts (2 of 4 stars). 3 submissions from 3 submitters: Pathogenic (2); Likely pathogenic (1). Last evaluated 2026-01-26.

Conditions:
Wolfram syndrome 1 (WFS1). Identifiers: Orphanet 3463, MedGen C4551693, MONDO:0009101, OMIM 222300.

Allele frequency attached by ClinVar (database versions not stated): ExAC 0.00001; gnomAD exomes 0.00001.
gnomAD v4.1: 3 of 1,612,820 alleles (0.00019%); highest among the groups gnomAD compares: East Asian, 0.0067%; no homozygotes.

Submissions (3):

Medical and Scientific Branch, Hong Kong Genome Institute
Classification: Likely pathogenic for Wolfram syndrome 1. Last evaluated: 2026-01-26. Review status: criteria provided, single submitter. Criteria: ACMG Guidelines, 2015. Collection method: clinical testing. Allele origin: unknown. Affected: yes.

Labcorp Genetics (formerly Invitae), Labcorp
Classification: Pathogenic. Last evaluated: 2025-10-21. Review status: criteria provided, single submitter. Criteria: Invitae Variant Classification Sherloc (09022015). Collection method: clinical testing. Allele origin: germline.
Comment: This sequence change replaces proline, which is neutral and non-polar, with serine, which is neutral and polar, at codon 724 of the WFS1 protein (p.Pro724Ser). This variant is present in population databases (rs777663097, gnomAD 0.02%). This missense change has been observed in individual(s) with autosomal recessive Wolfram syndrome (PMID: 21446023). ClinVar contains an entry for this variant (Variation ID: 379865). Invitae Evidence Modeling of protein sequence and biophysical properties (such as structural, functional, and spatial information, amino acid conservation, physicochemical variation, residue mobility, and thermodynamic stability) indicates that this missense variant is expected to disrupt WFS1 protein function with a positive predictive value of 95%. This variant disrupts the p.Pro724 amino acid residue in WFS1. Other variant(s) that disrupt this residue have been determined to be pathogenic (PMID: 9771706, 16195229, 16806192, 24890733). This suggests that this residue is clinically significant, and that variants that disrupt this residue are likely to be disease-causing. For these reasons, this variant has been classified as Pathogenic.

GeneDx
Classification: Pathogenic. Last evaluated: 2015-06-26. Review status: criteria provided, single submitter. Criteria: GeneDx Variant Classification (06012015). Collection method: clinical testing. Allele origin: germline. Affected: yes.
Comment: The P724S missense variant in the WFS1 gene has been reported previously in association with Wolframsyndrome (Chaussenot et al. 2011). P724S was not observed in approximately 6500 individuals ofEuropean and African American ancestry in the NHLBI Exome Sequencing Project, indicating it is not acommon benign variant in these populations. The P724S change is a non-conservative amino acidsubstitution, which is likely to impact secondary protein structure as these residues differ in polarity,charge, size and/or other properties. This substitution occurs at a position that is conserved across species,and a missense variant at the same position (P724L) and at a nearby position (L723P) have also beenreported in the Human Gene Mutation Database in association with Wolfram syndrome (Stenson et al.,2014), supporting the functional importance of this region of the protein. Therefore, we interpret P724S tobe a pathogenic variant.

Literature cited by the submitters: PubMed 21446023 (cited by Labcorp Genetics (formerly Invitae), Labcorp); PubMed 9771706 (cited by Labcorp Genetics (formerly Invitae), Labcorp); PubMed 16195229 (cited by Labcorp Genetics (formerly Invitae), Labcorp); PubMed 16806192 (cited by Labcorp Genetics (formerly Invitae), Labcorp); PubMed 24890733 (cited by Labcorp Genetics (formerly Invitae), Labcorp).